The following is an entry in ClinVar:

NM_000096.4(CP):c.2827G>A (p.Glu943Lys)

Gene: CP (ceruloplasmin; minus strand). Cytogenetic location: 3q24.
Variant type: single nucleotide variant.
Coding change: c.2827G>A on transcript NM_000096.4 (MANE Select); coding-DNA position 2827, G replaced by A.
Protein change: p.Glu943Lys; replaces glutamic acid 943 with lysine.
Molecular consequence: missense variant. On other transcripts: non-coding transcript variant (1).
Genome position (GRCh38, 1-based): chr3:149,178,466, C>T on the plus strand (G>A on the coding strand, the complement: CP is on the minus strand). VCF-style: chr3-149178466-C-T. GRCh37 (hg19) VCF-style: chr3-148896253-C-T.
Other names: c.2827G>A (NM_000096.3); short protein forms E943K.
Identifiers: ClinVar variation 1013751 (VCV001013751.7), dbSNP rs571448440, ClinGen allele CA2660633.
Genomic context (GRCh38, chr3:149,178,466, plus strand): 5'-GTGACATACCATGCATTTTATTGCTTTCTATGAATTCCTCATCATCTTTGTTTACTTTCT[C>T]GGGGTGATCAGAGTATGTTTTGATGTTGTCATCTAAGTACCAAGATTCATTCTCATCAAA-3'
Protein context (NP_000087.2, residues 933-953): DNIKTYSDHP[Glu943Lys]KVNKDDEEFI

ClinVar aggregate classification (germline): Uncertain significance. Review status: criteria provided, multiple submitters, no conflicts (2 of 4 stars). 2 submissions from 2 submitters: Uncertain significance (2). Last evaluated 2024-10-23.

Conditions:
Deficiency of ferroxidase (ACEP). Also called: NEURODEGENERATION WITH BRAIN IRON ACCUMULATION 10; Deficiency of ceruloplasmin; Aceruloplasminemia; Ceruloplasmin deficiency; Familial apoceruloplasmin deficiency; Hereditary ceruloplasmin deficiency. Identifiers: Orphanet 48818, MedGen C0878682, MONDO:0011426, OMIM 604290, HP:0025498.

Allele frequency attached by ClinVar (database versions not stated): ExAC 0.00002; gnomAD exomes 0.00002; gnomAD 0.00004 and 0.00005; TOPMed 0.00004; 1000 Genomes Project 0.00020; 1000 Genomes Project 30x 0.00031.
gnomAD v4.1: 38 of 1,613,092 alleles (0.0024%); highest among the groups gnomAD compares: East Asian, 0.031%; 1 homozygote.

Submissions (2):

Labcorp Genetics (formerly Invitae), Labcorp
Classification: Uncertain significance for Deficiency of ferroxidase. Last evaluated: 2024-10-23. Review status: criteria provided, single submitter. Criteria: Invitae Variant Classification Sherloc (09022015). Collection method: clinical testing. Allele origin: germline.
Comment: This sequence change replaces glutamic acid, which is acidic and polar, with lysine, which is basic and polar, at codon 943 of the CP protein (p.Glu943Lys). This variant is present in population databases (rs571448440, gnomAD 0.02%). This variant has not been reported in the literature in individuals affected with CP-related conditions. ClinVar contains an entry for this variant (Variation ID: 1013751). Invitae Evidence Modeling of protein sequence and biophysical properties (such as structural, functional, and spatial information, amino acid conservation, physicochemical variation, residue mobility, and thermodynamic stability) indicates that this missense variant is not expected to disrupt CP protein function with a negative predictive value of 80%. In summary, the available evidence is currently insufficient to determine the role of this variant in disease. Therefore, it has been classified as a Variant of Uncertain Significance.

GeneDx
Classification: Uncertain significance. Last evaluated: 2024-05-07. Review status: criteria provided, single submitter. Criteria: GeneDx Variant Classification Process June 2021. Collection method: clinical testing. Allele origin: germline. Affected: yes.
Comment: Not observed at significant frequency in large population cohorts (gnomAD); In silico analysis indicates that this missense variant does not alter protein structure/function; Has not been previously published as pathogenic or benign to our knowledge